The following is an entry in ClinVar:

NM_024642.5(GALNT12):c.828C>A (p.Ile276=)

Gene: GALNT12 (polypeptide N-acetylgalactosaminyltransferase 12; plus strand). Cytogenetic location: 9q22.33.
Variant type: single nucleotide variant.
Coding change: c.828C>A on transcript NM_024642.5 (MANE Select); coding-DNA position 828, C replaced by A.
Protein change: p.Ile276=; no amino-acid change (isoleucine 276 retained).
Molecular consequence: synonymous variant.
Genome position (GRCh38, 1-based): chr9:98,831,868, C>A. VCF-style: chr9-98831868-C-A. GRCh37 (hg19) VCF-style: chr9-101594150-C-A.
Identifiers: ClinVar variation 485673 (VCV000485673.18), dbSNP rs768925908, ClinGen allele CA5154066.

ClinVar aggregate classification (germline): Benign/Likely benign. Review status: criteria provided, multiple submitters, no conflicts (2 of 4 stars). 4 submissions from 4 submitters: Benign (1); Likely benign (3). Last evaluated 2026-04-24.

Conditions:
Colorectal cancer, susceptibility to, 1. Also called: COLORECTAL ADENOMA AND CANCER, SUSCEPTIBILITY TO; COLORECTAL CANCER, SUSCEPTIBILITY TO, ON CHROMOSOME 9. Identifiers: MedGen C1837315, MONDO:0012132, OMIM 608812.

Allele frequency attached by ClinVar (database versions not stated): TOPMed 0.00004.

Submissions (4):

Myriad Genetics, Inc.
Classification: Benign for Colorectal cancer, susceptibility to, 1. Last evaluated: 2026-04-24. Review status: criteria provided, single submitter. Criteria: Myriad Autosomal Dominant, Autosomal Recessive and X-Linked Classification Criteria (2023). Collection method: clinical testing. Allele origin: unknown.
Comment: This variant is considered benign. This variant is a silent/synonymous amino acid change and it is not expected to impact splicing.

Labcorp Genetics (formerly Invitae), Labcorp
Classification: Likely benign. Last evaluated: 2024-09-15. Review status: criteria provided, single submitter. Criteria: Invitae Variant Classification Sherloc (09022015). Collection method: clinical testing. Allele origin: germline.

Blueprint Genetics
Classification: Likely benign. Last evaluated: 2023-10-14. Review status: criteria provided, single submitter. Criteria: ACMG Guidelines, 2015. Collection method: clinical testing. Allele origin: germline.

Ambry Genetics
Classification: Likely benign. Last evaluated: 2017-02-23. Review status: criteria provided, single submitter. Criteria: Ambry Variant Classification Scheme 2023. Collection method: clinical testing. Allele origin: germline.